The following is an entry in ClinVar:

NM_006514.4(SCN10A):c.1931T>C (p.Ile644Thr)

Gene: SCN10A (sodium voltage-gated channel alpha subunit 10; minus strand). Cytogenetic location: 3p22.2.
Variant type: single nucleotide variant.
Coding change: c.1931T>C on transcript NM_006514.4 (MANE Select); coding-DNA position 1931, T replaced by C.
Protein change: p.Ile644Thr; replaces isoleucine 644 with threonine.
Molecular consequence: missense variant.
Genome position (GRCh38, 1-based): chr3:38,742,466, A>G on the plus strand (T>C on the coding strand, the complement: SCN10A is on the minus strand). VCF-style: chr3-38742466-A-G. GRCh37 (hg19) VCF-style: chr3-38783957-A-G.
Other names: c.1931T>C, p.Ile644Thr (NM_001293306.2); c.1637T>C, p.Ile546Thr (NM_001293307.2); short protein forms I546T, I644T.
Identifiers: ClinVar variation 855608 (VCV000855608.5), dbSNP rs772810661, ClinGen allele CA2320691.
Genomic context (GRCh38, chr3:38,742,466, plus strand): 5'-TCCGTCACAAGCCCAAAGAGAATTGTCTTGAGCTTCACCCACATGGGGCAGCAATCCCAG[A>G]TCAGATACTTCTGAGACAAGCTGGTCAAGCAGGGTGGGCACTTCTGTTCAGACTCCTCGA-3'
Protein context (NP_006505.4, residues 634-654): CLTSLSQKYL[Ile644Thr]WDCCPMWVKL

ClinVar aggregate classification (germline): Uncertain significance (1 of 4 stars; one submission).

Conditions:
Brugada syndrome. Also called: Sudden Unexplained Death Syndrome; Sudden Unexplained Nocturnal Death Syndrome (SUNDS); Sudden unexpected nocturnal death syndrome; Sudden unexplained nocturnal death syndrome. Identifiers: Orphanet 130, MedGen C1142166, MONDO:0015263.

Allele frequency attached by ClinVar (database versions not stated): gnomAD exomes below 0.00001; ExAC 0.00001.
gnomAD v4.1: 1 of 1,614,184 alleles (0.000062%); highest among the groups gnomAD compares: Non-Finnish European, 0.000085%; no homozygotes.

Submission:

Labcorp Genetics (formerly Invitae), Labcorp
Classification: Uncertain significance for Brugada syndrome. Last evaluated: 2021-02-04. Review status: criteria provided, single submitter. Criteria: Invitae Variant Classification Sherloc (09022015). Collection method: clinical testing. Allele origin: germline.
Comment: In summary, the available evidence is currently insufficient to determine the role of this variant in disease. Therefore, it has been classified as a Variant of Uncertain Significance. Algorithms developed to predict the effect of missense changes on protein structure and function (SIFT, PolyPhen-2, Align-GVGD) all suggest that this variant is likely to be disruptive, but these predictions have not been confirmed by published functional studies and their clinical significance is uncertain. This variant has not been reported in the literature in individuals with SCN10A-related conditions. This variant is present in population databases (rs772810661, ExAC 0.002%). This sequence change replaces isoleucine with threonine at codon 644 of the SCN10A protein (p.Ile644Thr). The isoleucine residue is moderately conserved and there is a moderate physicochemical difference between isoleucine and threonine.